The following is an entry in ClinVar:

ClinVar aggregate classification (germline): Uncertain significance (1 of 4 stars; one submission).

Conditions:
GLUT1 deficiency syndrome 1, autosomal recessive. Identifiers: MedGen C3149117.

Submission:

Labcorp Genetics (formerly Invitae), Labcorp
Classification: Uncertain significance for GLUT1 deficiency syndrome 1, autosomal recessive. Last evaluated: 2023-06-11. Review status: criteria provided, single submitter. Criteria: Invitae Variant Classification Sherloc (09022015). Collection method: clinical testing. Allele origin: germline.
Comment: In summary, the available evidence is currently insufficient to determine the role of this variant in disease. Therefore, it has been classified as a Variant of Uncertain Significance. Advanced modeling of protein sequence and biophysical properties (such as structural, functional, and spatial information, amino acid conservation, physicochemical variation, residue mobility, and thermodynamic stability) performed at Invitae indicates that this missense variant is expected to disrupt SLC2A1 protein function. This missense change has been observed in individual(s) with infantile spasms (PMID: 28074849). This variant is not present in population databases (gnomAD no frequency). This sequence change replaces glutamic acid, which is acidic and polar, with glycine, which is neutral and non-polar, at codon 247 of the SLC2A1 protein (p.Glu247Gly).

Literature cited by the submitters: PubMed 28074849.

NM_006516.4(SLC2A1):c.740A>G (p.Glu247Gly)

Gene: SLC2A1 (solute carrier family 2 member 1; minus strand). Cytogenetic location: 1p34.2.
Variant type: single nucleotide variant.
Coding change: c.740A>G on transcript NM_006516.4 (MANE Select); coding-DNA position 740, A replaced by G.
Protein change: p.Glu247Gly; replaces glutamic acid 247 with glycine.
Molecular consequence: missense variant.
Genome position (GRCh38, 1-based): chr1:42,929,720, T>C on the plus strand (A>G on the coding strand, the complement: SLC2A1 is on the minus strand). VCF-style: chr1-42929720-T-C. GRCh37 (hg19) VCF-style: chr1-43395391-T-C.
Other names: short protein forms E247G.
Identifiers: ClinVar variation 2733880 (VCV002733880.3), dbSNP rs2524992548, ClinGen allele CA339958004.